The following is an entry in ClinVar:

ClinVar aggregate classification (germline): Likely pathogenic (1 of 4 stars; one submission).

Conditions:
Autosomal dominant intellectual disability-craniofacial anomalies-cardiac defects syndrome (ARTHS). Also called: Arboleda-Tham syndrome; KAT6A syndrome; Mental retardation, autosomal dominant 32. Identifiers: Orphanet 457193, MedGen C4225396, MONDO:0014558, OMIM 616268.

Submission:

Victorian Clinical Genetics Services, Murdoch Childrens Research Institute
Classification: Likely pathogenic for Autosomal dominant intellectual disability-craniofacial anomalies-cardiac defects syndrome. Last evaluated: 2024-09-22. Review status: criteria provided, single submitter. Criteria: ACMG Guidelines, 2015. Collection method: clinical testing. Allele origin: germline. Inheritance: Autosomal dominant inheritance. Affected: yes.
Comment: Based on the classification scheme VCGS_Germline_v1.3.4, this variant is classified as Likely pathogenic. Following criteria are met: 0102 - Loss of function is a known mechanism of disease in this gene and is associated with Arboleda-Tham syndrome (MIM# 616268). (I) 0107 - This gene is associated with autosomal dominant disease. (I) 0200 - Variant is predicted to result in a missense amino acid change from isoleucine to threonine. (I) 0251 - This variant is heterozygous. (I) 0301 - Variant is absent from gnomAD (both v2 and v3). (SP) 0502 - Missense variant with conflicting in silico predictions and uninformative conservation. (I) 0603 - Missense variant in a region that is highly intolerant to missense variation (high constraint region in DECIPHER). (SP) 0705 - No comparable missense variants have previous evidence for pathogenicity. (I) 0807 - This variant has no previous evidence of pathogenicity. (I) 0905 - No published segregation evidence has been identified for this variant. (I) 1007 - No published functional evidence has been identified for this variant. (SP) Legend: (SP) - Supporting pathogenic, (I) - Information, (SB) - Supporting benign

NM_006766.5(KAT6A):c.50T>C (p.Ile17Thr)

Gene: KAT6A (lysine acetyltransferase 6A; minus strand). Cytogenetic location: 8p11.21.
Variant type: single nucleotide variant.
Coding change: c.50T>C on transcript NM_006766.5 (MANE Select); coding-DNA position 50, T replaced by C.
Protein change: p.Ile17Thr; replaces isoleucine 17 with threonine.
Molecular consequence: missense variant.
Genome position (GRCh38, 1-based): chr8:42,048,928, A>G on the plus strand (T>C on the coding strand, the complement: KAT6A is on the minus strand). VCF-style: chr8-42048928-A-G. GRCh37 (hg19) VCF-style: chr8-41906446-A-G.
Other names: c.50T>C, p.Ile17Thr (NM_001305878.2); short protein forms I17T.
Identifiers: ClinVar variation 3255008 (VCV003255008.2), dbSNP rs2487062427.
Genomic context (GRCh38, chr8:42,048,928, plus strand): 5'-GACACAGCATTGCATATCCTTTCTTCTGAAGGACGCTGTTTCTGCTTTTTCACTTTTTTG[A>G]TGGCCTCCAAAATCCACTCAGTATAAAGCGGGTTTGCGAGTTTTACCATGGTGAAGGATT-3'
Protein context (NP_006757.2, residues 7-27): PLYTEWILEA[Ile17Thr]KKVKKQKQRP